The following is an entry in ClinVar:

NM_001353812.2(ATP11C):c.2964+3A>G

Gene: ATP11C (ATPase phospholipid transporting 11C (ATP11C blood group); minus strand). Cytogenetic location: Xq27.1.
Variant type: single nucleotide variant.
Coding change: c.2964+3A>G on transcript NM_001353812.2 (MANE Select); 3 bases into the intron after coding-DNA position 2964, A replaced by G.
Molecular consequence: intron variant.
Genome position (GRCh38, 1-based): chrX:139,745,719, T>C on the plus strand (A>G on the coding strand, the complement: ATP11C is on the minus strand). VCF-style: chrX-139745719-T-C. GRCh37 (hg19) VCF-style: chrX-138827878-T-C.
Other names: c.2964+3A>G (NM_001353810.2, NM_001353811.2); c.2973+3A>G (NM_001010986.3, NM_173694.5).
Identifiers: ClinVar variation 3377686 (VCV003377686.2).

ClinVar aggregate classification (germline): Uncertain significance (1 of 4 stars; one submission).

Conditions:
X-linked congenital hemolytic anemia (HACXL). Identifiers: MedGen C4746970, MONDO:0060455, OMIM 301015.

Submission:

Neuberg Centre For Genomic Medicine, NCGM
Classification: Uncertain significance for X-linked congenital hemolytic anemia. Last evaluated: 2023-07-22. Review status: criteria provided, single submitter. Criteria: ACMG Guidelines, 2015. Collection method: clinical testing. Allele origin: germline. Inheritance: X-linked recessive inheritance. Affected: yes.
Comment: The observed splice region/ intron variant c.2964+3A>G in ATP11C gene has not been reported previously as a pathogenic variant nor as a benign variant, to our knowledge. The c.2964+3A>G variant is reported with 0.002% allele frequency in gnomAD Exomes. The variant is predicted as Benign by SpliceAI Prediction. For these reasons, this variant has been classified as Uncertain Significance.